The following is an entry in ClinVar:

ClinVar aggregate classification (germline): Likely pathogenic (1 of 4 stars; one submission).

Conditions:
Familial thoracic aortic aneurysm and aortic dissection (TAAD). Also called: Thoracic aortic aneurysms and dissections. Identifiers: Orphanet 91387, MedGen C4707243, MONDO:0019625.

Submission:

Ambry Genetics
Classification: Likely pathogenic for Familial thoracic aortic aneurysm and aortic dissection. Last evaluated: 2016-12-23. Review status: criteria provided, single submitter. Criteria: Ambry Variant Classification Scheme 2023. Collection method: clinical testing. Allele origin: germline.
Comment: The p.C2581F alteration (also known as c.7742G>T), located in coding exon 62 of the FBN1 gene, results from a G to T substitution at nucleotide position 7742. The cysteine at codon 2581 is replaced by phenylalanine, an amino acid with highly dissimilar properties. This alteration has been reported in an individual with classic Marfan syndrome (Loeys B et al. Arch. Intern. Med., 2001 Nov;161:2447-54). Several alternate amino acid substitutions at this position have been reported in individuals with Marfan syndrome, including a reported de novo case with p.C2581S, suggesting this position to be a mutation hotspot (Hilhorst-Hofstee Y et al. J. Child Neurol., 2008 Aug;23:954-5; Howarth R et al. Genet. Test., 2007;11:146-52; K&ouml;rkk&ouml; J et al. J. Med. Genet., 2002 Jan;39:34-41; Turner CL et al. Am. J. Med. Genet. A, 2009 Feb;149A:161-70). This amino acid is located in calcium-binding EGF-like (cbEGF) domain 45, and is predicted to participate in disulfide bonding. This amino acid position is highly conserved in available vertebrate species. In addition, this alteration is predicted to be deleterious by in silico analysis. The majority of FBN1 mutations identified to date have involved the substitution or generation of cysteine residues within cbEGF domains (Vollbrandt T et al. J Biol Chem. 2004;279(31):32924-32931). Based on the majority of available evidence to date, this variant is likely to be pathogenic.

Literature cited by the submitters: PubMed 11700157; PubMed 11826022; PubMed 17627385; PubMed 18354149; PubMed 19161152.

NM_000138.5(FBN1):c.7742G>T (p.Cys2581Phe)

Gene: FBN1 (fibrillin 1; minus strand). Cytogenetic location: 15q21.1.
Variant type: single nucleotide variant.
Coding change: c.7742G>T on transcript NM_000138.5 (MANE Select); coding-DNA position 7742, G replaced by T.
Protein change: p.Cys2581Phe; replaces cysteine 2581 with phenylalanine.
Molecular consequence: missense variant.
Genome position (GRCh38, 1-based): chr15:48,420,764, C>A on the plus strand (G>T on the coding strand, the complement: FBN1 is on the minus strand). VCF-style: chr15-48420764-C-A. GRCh37 (hg19) VCF-style: chr15-48712961-C-A.
Other names: short protein forms C2581F.
Identifiers: ClinVar variation 519750 (VCV000519750.5), dbSNP rs1555394149, ClinGen allele CA392324751.